The following is an entry in ClinVar:

ClinVar aggregate classification (germline): Uncertain significance (1 of 4 stars; one submission).

Conditions:
Alstrom syndrome (ALMS). Identifiers: Orphanet 64, MedGen C0268425, MONDO:0008763, OMIM 203800.

Allele frequency attached by ClinVar (database versions not stated): TOPMed below 0.00001.

Submission:

Labcorp Genetics (formerly Invitae), Labcorp
Classification: Uncertain significance for Alstrom syndrome. Last evaluated: 2021-12-24. Review status: criteria provided, single submitter. Criteria: Invitae Variant Classification Sherloc (09022015). Collection method: clinical testing. Allele origin: germline.
Comment: In summary, the available evidence is currently insufficient to determine the role of this variant in disease. Therefore, it has been classified as a Variant of Uncertain Significance. Experimental studies and prediction algorithms are not available or were not evaluated, and the functional significance of this variant is currently unknown. This variant has not been reported in the literature in individuals affected with ALMS1-related conditions. This variant is not present in population databases (gnomAD no frequency). This sequence change replaces leucine, which is neutral and non-polar, with valine, which is neutral and non-polar, at codon 741 of the ALMS1 protein (p.Leu741Val).

NM_001378454.1(ALMS1):c.2218C>G (p.Leu740Val)

Gene: ALMS1 (ALMS1 centrosome and basal body associated protein; plus strand). Cytogenetic location: 2p13.1.
Variant type: single nucleotide variant.
Coding change: c.2218C>G on transcript NM_001378454.1 (MANE Select); coding-DNA position 2218, C replaced by G.
Protein change: p.Leu740Val; replaces leucine 740 with valine.
Molecular consequence: missense variant.
Genome position (GRCh38, 1-based): chr2:73,448,745, C>G. VCF-style: chr2-73448745-C-G. GRCh37 (hg19) VCF-style: chr2-73675872-C-G.
Other names: c.2221C>G, p.Leu741Val (NM_015120.4); short protein forms L740V, L741V.
Identifiers: ClinVar variation 1921826 (VCV001921826.5), dbSNP rs752375658, ClinGen allele CA347267266.